The following is an entry in ClinVar:

ClinVar aggregate classification (germline): Uncertain significance (1 of 4 stars; one submission).

gnomAD v4.1: 3 of 1,614,150 alleles (0.00019%); highest among the groups gnomAD compares: Admixed American, 0.005%; no homozygotes.

Submission:

GeneDx
Classification: Uncertain significance. Last evaluated: 2024-05-06. Review status: criteria provided, single submitter. Criteria: GeneDx Variant Classification Process June 2021. Collection method: clinical testing. Allele origin: germline. Affected: yes.
Comment: Canonical splice site variant in a gene or region of a gene for which loss of function is not a well-established mechanism of disease; Has not been previously published as pathogenic or benign to our knowledge; Reported using an alternate transcript of the gene

NM_134261.3(RORA):c.196+51420G>A

Genes: RORA (RAR related orphan receptor A; minus strand), RORA-AS1 (RORA antisense RNA 1; plus strand). Cytogenetic location: 15q22.2.
Variant type: single nucleotide variant.
Coding change: c.196+51420G>A on transcript NM_134261.3 (MANE Select); 51420 bases into the intron after coding-DNA position 196, G replaced by A.
Molecular consequence: intron variant. On other transcripts: splice donor variant (2).
Genome position (GRCh38, 1-based): chr15:60,627,237, C>T on the plus strand (G>A on the coding strand, the complement: RORA is on the minus strand). VCF-style: chr15-60627237-C-T. GRCh37 (hg19) VCF-style: chr15-60919436-C-T.
Other names: c.137+1G>A (NM_134260.3, NM_002943.4).
Identifiers: ClinVar variation 3375530 (VCV003375530.1).